The following is an entry in ClinVar:

NM_001009944.3(PKD1):c.6676G>C (p.Gly2226Arg)

Gene: PKD1 (polycystin 1, transient receptor potential channel interacting; minus strand). Cytogenetic location: 16p13.3.
Variant type: single nucleotide variant.
Coding change: c.6676G>C on transcript NM_001009944.3 (MANE Select); coding-DNA position 6676, G replaced by C.
Protein change: p.Gly2226Arg; replaces glycine 2226 with arginine.
Molecular consequence: missense variant.
Genome position (GRCh38, 1-based): chr16:2,108,491, C>G on the plus strand (G>C on the coding strand, the complement: PKD1 is on the minus strand). VCF-style: chr16-2108491-C-G. GRCh37 (hg19) VCF-style: chr16-2158492-C-G.
Other names: c.6676G>C, p.Gly2226Arg (NM_000296.4); short protein forms G2226R.
Identifiers: ClinVar variation 3043446 (VCV003043446.2), dbSNP rs2544801237, ClinGen allele CA394373112.

ClinVar aggregate classification (germline): Uncertain significance (0 of 4 stars; one submission).

Conditions:
PKD1-related disorder. Also called: PKD1-related condition.

Submission:

PreventionGenetics, part of Exact Sciences
Classification: Uncertain significance for PKD1-related condition. Last evaluated: 2023-11-08. Review status: no assertion criteria provided. Collection method: clinical testing. Allele origin: germline.
Comment: The PKD1 c.6676G>C variant is predicted to result in the amino acid substitution p.Gly2226Arg. To our knowledge, this variant has not been reported in the literature or in a large population database, indicating this variant is rare. At this time, the clinical significance of this variant is uncertain due to the absence of conclusive functional and genetic evidence.